The following is an entry in ClinVar:

NM_022341.2(PDF):c.268C>A (p.Pro90Thr)

Genes: COG8 (component of oligomeric golgi complex 8; minus strand), PDF (peptide deformylase, mitochondrial; minus strand). Cytogenetic location: 16q22.1.
Variant type: single nucleotide variant.
Coding change: c.268C>A on transcript NM_022341.2 (MANE Select); coding-DNA position 268, C replaced by A.
Protein change: p.Pro90Thr; replaces proline 90 with threonine.
Molecular consequence: missense variant. On other transcripts: intron variant (7).
Genome position (GRCh38, 1-based): chr16:69,330,303, G>T on the plus strand (C>A on the coding strand, the complement: PDF is on the minus strand). VCF-style: chr16-69330303-G-T. GRCh37 (hg19) VCF-style: chr16-69364206-G-T.
Other names: c.1414-1124C>A (NM_001379266.1); c.1583-1124C>A (NM_001379265.1); c.1759+616C>A (NM_001379262.1); c.*23+513C>A (NM_001379264.1); c.*26+510C>A (NM_032382.5, NM_001379263.1, NM_001379261.1); short protein forms P90T.
Identifiers: ClinVar variation 4083854 (VCV004083854.8).

ClinVar aggregate classification (germline): Benign (1 of 4 stars; one submission).

Submission:

CeGaT Center for Human Genetics Tuebingen
Classification: Benign. Last evaluated: 2025-07-01. Review status: criteria provided, single submitter. Criteria: CeGaT Center For Human Genetics Tuebingen Variant Classification Criteria Version 2. Collection method: clinical testing. Allele origin: germline. Affected: yes. Observed: 1 variant allele.
Comment: PDF: BS1, BS2